The following is an entry in ClinVar:

NM_001429.4(EP300):c.1366G>A (p.Val456Ile)

Gene: EP300 (EP300 lysine acetyltransferase; plus strand). Cytogenetic location: 22q13.2.
Variant type: single nucleotide variant.
Coding change: c.1366G>A on transcript NM_001429.4 (MANE Select); coding-DNA position 1366, G replaced by A.
Protein change: p.Val456Ile; replaces valine 456 with isoleucine.
Molecular consequence: missense variant.
Genome position (GRCh38, 1-based): chr22:41,131,471, G>A. VCF-style: chr22-41131471-G-A. GRCh37 (hg19) VCF-style: chr22-41527475-G-A.
Other names: c.1366G>A (NM_001429.3); c.1366G>A, p.Val456Ile (NM_001362843.2); short protein forms V456I.
Identifiers: ClinVar variation 2703841 (VCV002703841.5), dbSNP rs775990510, ClinGen allele CA10252499.
Genomic context (GRCh38, chr22:41,131,471, plus strand): 5'-GGACTTGGAAATCCTAGCTCTCTAGGGGTGGGTCAACAGTCTGCCCCCAACCTAAGCACT[G>A]TTAGTCAGATTGATCCCAGCTCCATAGAAAGAGCCTATGCAGCTCTTGGACTACCCTATC-3'
Protein context (NP_001420.2, residues 446-466): GQQSAPNLST[Val456Ile]SQIDPSSIER

ClinVar aggregate classification (germline): Conflicting classifications of pathogenicity. Review status: criteria provided, conflicting classifications (1 of 4 stars). 3 submissions from 3 submitters: Uncertain significance (1); Likely benign (1). 1 of the submissions does not count toward it. Last evaluated 2025-07-06.

Conditions:
Menke-Hennekam syndrome 2 (MKHK2). Identifiers: MedGen C5193035, MONDO:0020769, OMIM 618333.
Colorectal cancer. Also called: Malignant Colorectal Neoplasm; Colorectal cancer, somatic. Identifiers: MedGen C0346629, MONDO:0005575, OMIM 114500.
Rubinstein-Taybi syndrome due to EP300 haploinsufficiency. Also called: EP300-Related Rubinstein-Taybi Syndrome; RUBINSTEIN-TAYBI SYNDROME 2. Identifiers: Orphanet 353284, Orphanet 783, MedGen C3150941, MONDO:0013364, OMIM 613684.
EP300-related disorder. Also called: EP300-related condition; EP300-related disorders.

Allele frequency attached by ClinVar (database versions not stated): TOPMed below 0.00001; gnomAD 0.00001; ExAC 0.00005.
gnomAD v4.1: 62 of 1,613,948 alleles (0.0038%); highest among the groups gnomAD compares: East Asian, 0.1%; no homozygotes.

Submissions (3):

Labcorp Genetics (formerly Invitae), Labcorp
Classification: Likely benign for Rubinstein-Taybi syndrome due to EP300 haploinsufficiency. Last evaluated: 2025-07-06. Review status: criteria provided, single submitter. Criteria: Invitae Variant Classification Sherloc (09022015). Collection method: clinical testing. Allele origin: germline.

Fulgent Genetics
Classification: Uncertain significance for Colorectal cancer; Rubinstein-Taybi syndrome due to EP300 haploinsufficiency; Menke-Hennekam syndrome 2. Last evaluated: 2024-04-04. Review status: criteria provided, single submitter. Criteria: ACMG Guidelines, 2015. Collection method: clinical testing. Allele origin: germline.

PreventionGenetics, part of Exact Sciences
Classification: Uncertain significance for EP300-related condition. Last evaluated: 2024-04-10. Review status: no assertion criteria provided. Collection method: clinical testing. Allele origin: germline. Not counted in ClinVar's aggregate classification.
Comment: The EP300 c.1366G>A variant is predicted to result in the amino acid substitution p.Val456Ile. To our knowledge, this variant has not been reported in the literature. This variant is reported in 0.038% of alleles in individuals of East Asian descent in gnomAD. At this time, the clinical significance of this variant is uncertain due to the absence of conclusive functional and genetic evidence.